The following is an entry in ClinVar:

NM_000458.4(HNF1B):c.345-2A>G

Gene: HNF1B (HNF1 homeobox B; minus strand). Cytogenetic location: 17q12.
Variant type: single nucleotide variant.
Coding change: c.345-2A>G on transcript NM_000458.4 (MANE Select); the canonical splice acceptor site of the intron before coding-DNA position 345, A replaced by G.
Molecular consequence: splice acceptor variant.
Genome position (GRCh38, 1-based): chr17:37,739,641, T>C on the plus strand (A>G on the coding strand, the complement: HNF1B is on the minus strand). VCF-style: chr17-37739641-T-C. GRCh37 (hg19) VCF-style: chr17-36099632-T-C.
Other names: c.345-2A>G (NM_001304286.2, NM_001165923.4, NM_001411100.1).
Identifiers: ClinVar variation 2663885 (VCV002663885.3), dbSNP rs2511830105, ClinGen allele CA398751766.

ClinVar aggregate classification (germline): Likely pathogenic. Review status: criteria provided, multiple submitters, no conflicts (2 of 4 stars). 2 submissions from 2 submitters: Likely pathogenic (2). Last evaluated 2023-11-30.

Conditions:
Nonpapillary renal cell carcinoma. Identifiers: Orphanet 422526, MedGen CN074294, MONDO:0007763, OMIM 144700.
Type 2 diabetes mellitus. Also called: Type II diabetes mellitus. Identifiers: MedGen C0011860, MeSH D003924, MONDO:0005148, OMIM 125853, HP:0005978.
Renal cysts and diabetes syndrome (RCAD). Also called: Familial hypoplastic, glomerulocystic kidney; MATURITY-ONSET DIABETES OF THE YOUNG, TYPE 5. Identifiers: Orphanet 93111, MedGen C0431693, MONDO:0007669, OMIM 137920.

Submissions (2):

Institute of Medical Genetics and Applied Genomics, University Hospital Tübingen
Classification: Likely pathogenic for Renal cysts and diabetes syndrome. Last evaluated: 2023-11-30. Review status: criteria provided, single submitter. Criteria: ACMG Guidelines, 2015. Collection method: clinical testing. Allele origin: germline. Inheritance: Autosomal dominant inheritance. Affected: yes.

Juno Genomics, Hangzhou Juno Genomics, Inc
Classification: Likely pathogenic for Type 2 diabetes mellitus; Renal cysts and diabetes syndrome; Nonpapillary renal cell carcinoma. Review status: criteria provided, single submitter. Criteria: ACMG Guidelines, 2015. Collection method: clinical testing. Allele origin: germline. Affected: yes.
Comment: Absent from controls (or at extremely low frequency if recessive) in Genome Aggregation Database, Exome Sequencing Project, 1000 Genomes Project, or Exome Aggregation Consortium.;Null variant in a gene where loss of function (LOF) is a known mechanism of disease.